The following is an entry in ClinVar:

ClinVar aggregate classification (germline): Uncertain significance (1 of 4 stars; one submission).

Conditions:
Cerebral cavernous malformation (CCM). Also called: CAVERNOUS ANGIOMA, FAMILIAL; CAVERNOUS ANGIOMATOUS MALFORMATIONS; CEREBRAL CAPILLARY MALFORMATIONS; Cerebral cavernous malformations; Cavernous Hemangioma of Brain; Cerebral cavernous hemangioma (type). Identifiers: Orphanet 221061, MedGen C2919945, MONDO:0000820, OMIM 116860, HP:0033522.

Submission:

Victorian Clinical Genetics Services, Murdoch Childrens Research Institute
Classification: Uncertain significance for Cerebral cavernous malformation. Last evaluated: 2020-10-19. Review status: criteria provided, single submitter. Criteria: ACMG Guidelines, 2015. Collection method: clinical testing. Allele origin: germline. Inheritance: Autosomal dominant inheritance.
Comment: Based on the classification scheme VCGS_Germline_v1.3.3, this variant is classified as VUS-3A. Following criteria are met: 0102 - Loss of function is a known mechanism of disease in this gene and is associated with cavernous malformations of CNS and retina, cerebral cavernous malformations-1 (CCM) and hyperkeratotic cutaneous capillary-venous malformations associated with cerebral capillary malformations (MIM#116860). (I) 0107 - This gene is associated with autosomal dominant disease. (I) 0112 - The condition associated with this gene has incomplete penetrance. This has been reported for variants resulting in familial CCM (PMID: 16571644, OMIM). (I) 0115 - Variants in this gene are known to have variable expressivity. Intra- and interfamilial variability has been reported for variants causing CCM (PMID: 29593473). (I) 0211 - Canonical splice site variant without proven consequence on splicing (no functional evidence available). This variant results in the deletion of part of the canonical splice region. (SP) 0251 - This variant is heterozygous. (I) 0301 - Variant is absent from gnomAD (both v2 and v3). However, this region has poor exome coverage in gnomAD (v2). (SP) 0505 - Abnormal splicing is predicted by an in silico tool and the affected nucleotides are highly conserved. (SP) 0704 - Another splice variant comparable to the one identified in this case has limited previous evidence for pathogenicity. A canonical splice variant within the deleted region (c.1411+2T>C), has been reported in a single heterozygous patient with CCM (PMID: 29593473). (SP) 0807 - This variant has no previous evidence of pathogenicity. (I) 0905 - No published segregation evidence has been identified for this variant. (I) 1007 - No published functional evidence has been identified for this variant. (I) 1208 - Inheritance information for this variant is not currently available in this individual. (I) Legend: (SP) - Supporting pathogenic, (I) - Information, (SB) - Supporting benign

Literature cited by the submitters: PubMed 16571644; PubMed 29593473.

NM_194454.3(KRIT1):c.1411+2_1411+5del

Gene: KRIT1 (KRIT1 ankyrin repeat containing; minus strand). Cytogenetic location: 7q21.2.
Variant type: Deletion.
Coding change: c.1411+2_1411+5del on transcript NM_194454.3 (MANE Select); the canonical splice donor site of the intron after coding-DNA position 1411 through 5 bases into the intron after coding-DNA position 1411, 4 bases deleted (TAAG; older notation c.1411+2_1411+5delTAAG).
Molecular consequence: splice donor variant.
Genome position (GRCh38, 1-based): chr7:92,222,817-92,222,820, CTTA deleted on the plus strand (TAAG on the coding strand, the reverse complement: KRIT1 is on the minus strand); deleting any 4 consecutive bases within chr7:92,222,817-92,222,822 gives the same sequence; the c. name uses the placement nearest the transcript's 3' end. VCF-style (leftmost placement, unchanged base first): chr7-92222816-TCTTA-T. GRCh37 (hg19) VCF-style: chr7-91852130-TCTTA-T.
Other names: c.1411+2_1411+5del (NM_001350687.1, NM_001350688.1, NM_001350684.1 and 26 more transcripts); c.1267+2_1267+5del (NM_001013406.2, NM_001350669.1, NM_001350670.1); c.697+2_697+5del (NM_001350671.1); c.1411+2_1411+5delTAAG (NM_194456.1).
Identifiers: ClinVar variation 1804898 (VCV001804898.1), dbSNP rs2535830607, ClinGen allele CA1139532804.
Genomic context (GRCh38, chr7:92,222,816, plus strand): 5'-TTTCTACCAACCCACTCCCAAAAAGGAATAATGAGGTTTACTATAACATAATAAAAACTT[TCTTA>T]CTGAGGTTTTCTGAACAAATCCATATAGTGAAATATTGCTGAGTTTCTTGAGAGAGACGC-3'